The following is an entry in ClinVar:

NM_001256789.3(CACNA1F):c.5434T>A (p.Tyr1812Asn)

Gene: CACNA1F (calcium voltage-gated channel subunit alpha1 F; minus strand). Cytogenetic location: Xp11.23.
Variant type: single nucleotide variant.
Coding change: c.5434T>A on transcript NM_001256789.3 (MANE Select); coding-DNA position 5434, T replaced by A.
Protein change: p.Tyr1812Asn; replaces tyrosine 1812 with asparagine.
Molecular consequence: missense variant.
Genome position (GRCh38, 1-based): chrX:49,206,549, A>T on the plus strand (T>A on the coding strand, the complement: CACNA1F is on the minus strand). VCF-style: chrX-49206549-A-T. GRCh37 (hg19) VCF-style: chrX-49063010-A-T.
Other names: c.5272T>A, p.Tyr1758Asn (NM_001256790.3); c.5467T>A, p.Tyr1823Asn (NM_005183.4); short protein forms Y1758N, Y1812N, Y1823N.
Identifiers: ClinVar variation 3777318 (VCV003777318.1).

ClinVar aggregate classification (germline): Uncertain significance (1 of 4 stars; one submission).

Submission:

GeneDx
Classification: Uncertain significance. Last evaluated: 2024-10-09. Review status: criteria provided, single submitter. Criteria: GeneDx Variant Classification Process June 2021. Collection method: clinical testing. Allele origin: germline. Affected: yes.
Comment: Not observed at significant frequency in large population cohorts (gnomAD); In silico analysis supports that this missense variant has a deleterious effect on protein structure/function; Has not been previously published as pathogenic or benign to our knowledge